The following is an entry in ClinVar:

ClinVar aggregate classification (germline): Pathogenic (1 of 4 stars; one submission).

Conditions:
Ataxia-telangiectasia syndrome (AT). Also called: ATAXIA-TELANGIECTASIA, COMPLEMENTATION GROUP A; ATAXIA-TELANGIECTASIA, FRESNO VARIANT; LOUIS-BAR SYNDROME; Cerebello-oculocutaneous telangiectasia; Immunodeficiency with ataxia telangiectasia; Ataxia-telangiectasia, complementation group E. Identifiers: Orphanet 100, MedGen C0004135, MONDO:0008840, OMIM 208900.

Submission:

Labcorp Genetics (formerly Invitae), Labcorp
Classification: Pathogenic for Ataxia-telangiectasia syndrome. Last evaluated: 2024-01-30. Review status: criteria provided, single submitter. Criteria: Invitae Variant Classification Sherloc (09022015). Collection method: clinical testing. Allele origin: germline.
Comment: This sequence change creates a premature translational stop signal (p.Thr72Lysfs*4) in the ATM gene. It is expected to result in an absent or disrupted protein product. Loss-of-function variants in ATM are known to be pathogenic (PMID: 23807571, 25614872). This variant is not present in population databases (gnomAD no frequency). This variant has not been reported in the literature in individuals affected with ATM-related conditions. For these reasons, this variant has been classified as Pathogenic.

Literature cited by the submitters: PubMed 23807571; PubMed 25614872.

NM_000051.4(ATM):c.215del (p.Thr72fs)

Gene: ATM (ATM serine/threonine kinase; plus strand). Cytogenetic location: 11q22.3.
Variant type: Deletion.
Coding change: c.215del on transcript NM_000051.4 (MANE Select); coding-DNA position 215, one base deleted (C; older notation c.215delC).
Protein change: p.Thr72fs; shifts the reading frame from threonine 72.
Molecular consequence: frameshift variant.
Genome position (GRCh38, 1-based): chr11:108,229,207, C deleted. VCF-style (leftmost placement, unchanged base first): chr11-108229206-AC-A. GRCh37 (hg19) VCF-style: chr11-108099933-AC-A.
Other names: c.215del, p.Thr72fs (NM_001351834.2, NM_001351835.2, NM_001351836.2); short protein forms T72fs.
Identifiers: ClinVar variation 3637476 (VCV003637476.2).
Genomic context (GRCh38, chr11:108,229,206, plus strand): 5'-AGTTTCTGAAATTGCATTTTGTTTTCTTGAAGATTTTTACAGAAATATATTCAGAAAGAA[AC>A]AGAATGTCTGAGAATAGCAAAACCAAATGTATCAGCCTCAACACAAGCCTCCAGGCAGAA-3'